The following is an entry in ClinVar:

NM_000018.4(ACADVL):c.139-2A>G

Gene: ACADVL (acyl-CoA dehydrogenase very long chain; plus strand). Cytogenetic location: 17p13.1.
Variant type: single nucleotide variant.
Coding change: c.139-2A>G on transcript NM_000018.4 (MANE Select); the canonical splice acceptor site of the intron before coding-DNA position 139, A replaced by G.
Molecular consequence: splice acceptor variant. On other transcripts: intron variant (1).
Genome position (GRCh38, 1-based): chr17:7,220,462, A>G. VCF-style: chr17-7220462-A-G. GRCh37 (hg19) VCF-style: chr17-7123781-A-G.
Other names: c.208-2A>G (NM_001270447.2); c.-90-2A>G (NM_001270448.2); c.139-142A>G (NM_001033859.3).
Identifiers: ClinVar variation 2885093 (VCV002885093.3), dbSNP rs2508247269, ClinGen allele CA397722166.

ClinVar aggregate classification (germline): Likely pathogenic (1 of 4 stars; one submission).

Conditions:
Very long chain acyl-CoA dehydrogenase deficiency (ACADVLD). Also called: VLCAD Deficiency; Very Long-Chain Acyl-Coenzyme A Dehydrogenase Deficiency. Identifiers: Orphanet 26793, MedGen C3887523, MONDO:0008723, OMIM 201475.

Submission:

Labcorp Genetics (formerly Invitae), Labcorp
Classification: Likely pathogenic for Very long chain acyl-CoA dehydrogenase deficiency. Last evaluated: 2024-10-24. Review status: criteria provided, single submitter. Criteria: Invitae Variant Classification Sherloc (09022015). Collection method: clinical testing. Allele origin: germline.
Comment: This sequence change affects an acceptor splice site in intron 2 of the ACADVL gene. It is expected to disrupt RNA splicing. Variants that disrupt the donor or acceptor splice site typically lead to a loss of protein function (PMID: 16199547), and loss-of-function variants in ACADVL are known to be pathogenic (PMID: 9973285, 11590124). This variant is not present in population databases (gnomAD no frequency). This variant has not been reported in the literature in individuals affected with ACADVL-related conditions. Algorithms developed to predict the effect of sequence changes on RNA splicing suggest that this variant may disrupt the consensus splice site. In summary, the currently available evidence indicates that the variant is pathogenic, but additional data are needed to prove that conclusively. Therefore, this variant has been classified as Likely Pathogenic.

Literature cited by the submitters: PubMed 16199547; PubMed 9973285; PubMed 11590124.